The following is an entry in ClinVar:

NM_002875.5(RAD51):c.503C>T (p.Pro168Leu)

Gene: RAD51 (RAD51 recombinase; plus strand). Cytogenetic location: 15q15.1.
Variant type: single nucleotide variant.
Coding change: c.503C>T on transcript NM_002875.5 (MANE Select); coding-DNA position 503, C replaced by T.
Protein change: p.Pro168Leu; replaces proline 168 with leucine.
Molecular consequence: missense variant.
Genome position (GRCh38, 1-based): chr15:40,718,872, C>T. VCF-style: chr15-40718872-C-T. GRCh37 (hg19) VCF-style: chr15-41011070-C-T.
Other names: c.506C>T, p.Pro169Leu (NM_001164269.2, NM_133487.4); c.503C>T, p.Pro168Leu (NM_001164270.2); short protein forms P168L, P169L.
Identifiers: ClinVar variation 4083181 (VCV004083181.2).

ClinVar aggregate classification (germline): Likely pathogenic (1 of 4 stars; one submission).

Submission:

GeneDx
Classification: Likely pathogenic. Last evaluated: 2026-04-02. Review status: criteria provided, single submitter. Criteria: GeneDx Variant Classification Process June 2021. Collection method: clinical testing. Allele origin: germline.
Comment: Not observed at significant frequency in large population cohorts (gnomAD); In silico analysis supports that this missense variant has a deleterious effect on protein structure/function; Has not been previously published as pathogenic or benign to our knowledge